The following is an entry in ClinVar:

NM_004380.3(CREBBP):c.6324C>G (p.Tyr2108Ter)

Gene: CREBBP (CREB binding lysine acetyltransferase; minus strand). Cytogenetic location: 16p13.3.
Variant type: single nucleotide variant.
Coding change: c.6324C>G on transcript NM_004380.3 (MANE Select); coding-DNA position 6324, C replaced by G.
Protein change: p.Tyr2108Ter; replaces tyrosine 2108 with a stop codon.
Molecular consequence: nonsense.
Genome position (GRCh38, 1-based): chr16:3,728,723, G>C on the plus strand (C>G on the coding strand, the complement: CREBBP is on the minus strand). VCF-style: chr16-3728723-G-C. GRCh37 (hg19) VCF-style: chr16-3778724-G-C.
Other names: c.6210C>G, p.Tyr2070Ter (NM_001079846.1); short protein forms Y2070*, Y2108*.
Identifiers: ClinVar variation 1308633 (VCV001308633.2), dbSNP rs199821421, ClinGen allele CA394553635.

ClinVar aggregate classification (germline): Pathogenic. Review status: criteria provided, multiple submitters, no conflicts (2 of 4 stars). 2 submissions from 2 submitters: Pathogenic (2). Last evaluated 2025-08-01.

Conditions:
Rubinstein-Taybi syndrome due to CREBBP mutations (RSTS1). Also called: BROAD THUMB-HALLUX SYNDROME; Rubinstein-Taybi syndrome 1; CREBBP-Related Rubinstein-Taybi Syndrome; BROAD THUMBS AND GREAT TOES, CHARACTERISTIC FACIES, AND IMPAIRED INTELLECTUAL DEVELOPMENT; RUBINSTEIN-TAYBI SYNDROME 1, INCOMPLETE; RUBINSTEIN SYNDROME. Identifiers: Orphanet 353277, Orphanet 783, MedGen C4551859, MONDO:0008393, OMIM 180849.

Submissions (2):

GeneDx
Classification: Pathogenic. Last evaluated: 2025-08-01. Review status: criteria provided, single submitter. Criteria: GeneDx Variant Classification Process June 2021. Collection method: clinical testing. Allele origin: germline. Affected: yes.
Comment: Nonsense variant predicted to result in protein truncation, as the last 335 amino acid(s) are lost, and other loss-of-function variants have been reported downstream in HGMD; Not observed at significant frequency in large population cohorts (gnomAD); This variant is associated with the following publications: (PMID: 34516402)

Equipe Genetique des Anomalies du Developpement, Université de Bourgogne
Classification: Pathogenic for Rubinstein-Taybi syndrome due to CREBBP mutations. Last evaluated: 2021-10-18. Review status: criteria provided, single submitter. Criteria: ACMG Guidelines, 2015. Collection method: clinical testing. Allele origin: de novo. Affected: yes.